The following is an entry in ClinVar:

NM_016156.6(MTMR2):c.804+1G>C

Gene: MTMR2 (myotubularin related protein 2; minus strand). Cytogenetic location: 11q21.
Variant type: single nucleotide variant.
Coding change: c.804+1G>C on transcript NM_016156.6 (MANE Select); the canonical splice donor site of the intron after coding-DNA position 804, G replaced by C.
Molecular consequence: splice donor variant.
Genome position (GRCh38, 1-based): chr11:95,850,599, C>G on the plus strand (G>C on the coding strand, the complement: MTMR2 is on the minus strand). VCF-style: chr11-95850599-C-G. GRCh37 (hg19) VCF-style: chr11-95583763-C-G.
Other names: c.588+1G>C (NM_201281.3, NM_201278.3, NM_001243571.2).
Identifiers: ClinVar variation 576976 (VCV000576976.7), dbSNP rs1565351898, ClinGen allele CA382425669.

ClinVar aggregate classification (germline): Likely pathogenic (1 of 4 stars; one submission).

Conditions:
Charcot-Marie-Tooth disease type 4. Also called: Charcot-Marie-Tooth disease, type IV; Charcot-Marie-Tooth, Type 4. Identifiers: Orphanet 64749, MedGen C4082197, MONDO:0018995.

Submission:

Labcorp Genetics (formerly Invitae), Labcorp
Classification: Likely pathogenic for Charcot-Marie-Tooth disease type 4. Last evaluated: 2018-05-08. Review status: criteria provided, single submitter. Criteria: Invitae Variant Classification Sherloc (09022015). Collection method: clinical testing. Allele origin: germline.
Comment: In summary, the currently available evidence indicates that the variant is pathogenic, but additional data are needed to prove that conclusively. Therefore, this variant has been classified as Likely Pathogenic. Donor and acceptor splice site variants typically lead to a loss of protein function (PMID: 16199547), and loss-of-function variants in MTMR2 are known to be pathogenic (PMID: 10802647). Algorithms developed to predict the effect of sequence changes on RNA splicing suggest that this variant may disrupt the consensus splice site, but this prediction has not been confirmed by published transcriptional studies. This variant has not been reported in the literature in individuals with MTMR2-related disease. This variant is not present in population databases (ExAC no frequency). This sequence change affects a donor splice site in intron 8 of the MTMR2 gene. It is expected to disrupt RNA splicing and likely results in an absent or disrupted protein product.

Literature cited by the submitters: PubMed 16199547; PubMed 10802647.